The following is an entry in ClinVar:

ClinVar aggregate classification (germline): Uncertain significance. Review status: criteria provided, multiple submitters, no conflicts (2 of 4 stars). 2 submissions from 2 submitters: Uncertain significance (2). Last evaluated 2026-02-16.

Submissions (2):

Ambry Genetics
Classification: Uncertain significance. Last evaluated: 2026-02-16. Review status: criteria provided, single submitter. Criteria: Ambry Variant Classification Scheme 2023. Collection method: clinical testing. Allele origin: germline.
Comment: The p.A320P variant (also known as c.958G>C), located in coding exon 8 of the GEN1 gene, results from a G to C substitution at nucleotide position 958. The alanine at codon 320 is replaced by proline, an amino acid with highly similar properties. This amino acid position is conserved. In addition, the in silico prediction for this alteration is inconclusive. Based on the available evidence, the clinical significance of this variant remains unclear.

Labcorp Genetics (formerly Invitae), Labcorp
Classification: Uncertain significance. Last evaluated: 2022-09-28. Review status: criteria provided, single submitter. Criteria: Invitae Variant Classification Sherloc (09022015). Collection method: clinical testing. Allele origin: germline.
Comment: In summary, the available evidence is currently insufficient to determine the role of this variant in disease. Therefore, it has been classified as a Variant of Uncertain Significance. Algorithms developed to predict the effect of missense changes on protein structure and function are either unavailable or do not agree on the potential impact of this missense change (SIFT: "Deleterious"; PolyPhen-2: "Benign"; Align-GVGD: "Class C0"). This variant has not been reported in the literature in individuals affected with GEN1-related conditions. This variant is not present in population databases (gnomAD no frequency). This sequence change replaces alanine, which is neutral and non-polar, with proline, which is neutral and non-polar, at codon 320 of the GEN1 protein (p.Ala320Pro).

NM_001130009.3(GEN1):c.958G>C (p.Ala320Pro)

Gene: GEN1 (GEN1 structure-specific endonuclease; plus strand). Cytogenetic location: 2p24.2.
Variant type: single nucleotide variant.
Coding change: c.958G>C on transcript NM_001130009.3 (MANE Select); coding-DNA position 958, G replaced by C.
Protein change: p.Ala320Pro; replaces alanine 320 with proline.
Molecular consequence: missense variant.
Genome position (GRCh38, 1-based): chr2:17,773,100, G>C. VCF-style: chr2-17773100-G-C. GRCh37 (hg19) VCF-style: chr2-17954367-G-C.
Other names: c.958G>C, p.Ala320Pro (NM_182625.5); c.958G>C (NM_001130009.1); short protein forms A320P.
Identifiers: ClinVar variation 1719744 (VCV001719744.6), dbSNP rs2545588831, ClinGen allele CA345917857.
Genomic context (GRCh38, chr2:17,773,100, plus strand): 5'-TCAGAGTCTAAAATTGTCTGATTATAGTAATAACATGTATATAATTTTTTTTTCAGGAAA[G>C]CTTGCTGTTGTGAGGGATTCCCATTCCATGAGGTAATATCCAGTAATTCAACTCTATTAA-3'
Protein context (NP_001123481.3, residues 310-330): SEVENNIKKK[Ala320Pro]CCCEGFPFHE